The following is an entry in ClinVar:

ClinVar aggregate classification (germline): Uncertain significance (1 of 4 stars; one submission).

Allele frequency attached by ClinVar (database versions not stated): 1000 Genomes Project 30x 0.00016.
gnomAD v4.1: 15 of 1,519,488 alleles (0.00099%); highest among the groups gnomAD compares: Middle Eastern, 0.017%; no homozygotes.

Submission:

Labcorp Genetics (formerly Invitae), Labcorp
Classification: Uncertain significance. Last evaluated: 2022-07-19. Review status: criteria provided, single submitter. Criteria: Invitae Variant Classification Sherloc (09022015). Collection method: clinical testing. Allele origin: germline.
Comment: In summary, the available evidence is currently insufficient to determine the role of this variant in disease. Therefore, it has been classified as a Variant of Uncertain Significance. Algorithms developed to predict the effect of missense changes on protein structure and function (SIFT, PolyPhen-2, Align-GVGD) all suggest that this variant is likely to be tolerated. ClinVar contains an entry for this variant (Variation ID: 1497826). This variant has not been reported in the literature in individuals affected with LRRC56-related conditions. This variant is present in population databases (no rsID available, gnomAD 0.02%). This sequence change replaces proline, which is neutral and non-polar, with leucine, which is neutral and non-polar, at codon 264 of the LRRC56 protein (p.Pro264Leu).

NM_198075.4(LRRC56):c.791C>T (p.Pro264Leu)

Gene: LRRC56 (leucine rich repeat containing 56; plus strand). Cytogenetic location: 11p15.5.
Variant type: single nucleotide variant.
Coding change: c.791C>T on transcript NM_198075.4 (MANE Select); coding-DNA position 791, C replaced by T.
Protein change: p.Pro264Leu; replaces proline 264 with leucine.
Molecular consequence: missense variant.
Genome position (GRCh38, 1-based): chr11:551,297, C>T. VCF-style: chr11-551297-C-T. GRCh37 (hg19) VCF-style: chr11-551297-C-T.
Other names: short protein forms P264L.
Identifiers: ClinVar variation 1497826 (VCV001497826.6), dbSNP rs564607547, ClinGen allele CA216896086.